The following is an entry in ClinVar:

NM_000260.4(MYO7A):c.2282+4C>A

Gene: MYO7A (myosin VIIA; plus strand). Cytogenetic location: 11q13.5.
Variant type: single nucleotide variant.
Coding change: c.2282+4C>A on transcript NM_000260.4 (MANE Select); 4 bases into the intron after coding-DNA position 2282, C replaced by A.
Molecular consequence: intron variant.
Genome position (GRCh38, 1-based): chr11:77,177,647, C>A. VCF-style: chr11-77177647-C-A. GRCh37 (hg19) VCF-style: chr11-76888693-C-A.
Other names: c.2249+4C>A (NM_001369365.1); c.2282+4C>A (NM_001127180.2).
Identifiers: ClinVar variation 2182856 (VCV002182856.1), dbSNP rs368265503, ClinGen allele CA600345183.

ClinVar aggregate classification (germline): Uncertain significance (1 of 4 stars; one submission).

gnomAD v4.1: 8 of 1,603,376 alleles (0.0005%); highest among the groups gnomAD compares: Non-Finnish European, 0.00068%; no homozygotes.

Submission:

Labcorp Genetics (formerly Invitae), Labcorp
Classification: Uncertain significance. Last evaluated: 2022-04-13. Review status: criteria provided, single submitter. Criteria: Invitae Variant Classification Sherloc (09022015). Collection method: clinical testing. Allele origin: germline.
Comment: This sequence change falls in intron 19 of the MYO7A gene. It does not directly change the encoded amino acid sequence of the MYO7A protein. It affects a nucleotide within the consensus splice site. The frequency data for this variant in the population databases is considered unreliable, as metrics indicate poor data quality at this position in the gnomAD database. This variant has not been reported in the literature in individuals affected with MYO7A-related conditions. Variants that disrupt the consensus splice site are a relatively common cause of aberrant splicing (PMID: 17576681, 9536098). Algorithms developed to predict the effect of sequence changes on RNA splicing suggest that this variant is not likely to affect RNA splicing. In summary, the available evidence is currently insufficient to determine the role of this variant in disease. Therefore, it has been classified as a Variant of Uncertain Significance.

Literature cited by the submitters: PubMed 17576681; PubMed 9536098.